The following is an entry in ClinVar:

NM_198578.4(LRRK2):c.737A>T (p.Asn246Ile)

Gene: LRRK2 (leucine rich repeat kinase 2; plus strand). Cytogenetic location: 12q12.
Variant type: single nucleotide variant.
Coding change: c.737A>T on transcript NM_198578.4 (MANE Select); coding-DNA position 737, A replaced by T.
Protein change: p.Asn246Ile; replaces asparagine 246 with isoleucine.
Molecular consequence: missense variant.
Genome position (GRCh38, 1-based): chr12:40,243,580, A>T. VCF-style: chr12-40243580-A-T. GRCh37 (hg19) VCF-style: chr12-40637382-A-T.
Other names: short protein forms N246I.
Identifiers: ClinVar variation 2587270 (VCV002587270.2), dbSNP rs772088125, ClinGen allele CA384405812.

ClinVar aggregate classification (germline): Uncertain significance (1 of 4 stars; one submission).

Conditions:
Inborn genetic diseases. Identifiers: MedGen C0950123, MeSH D030342.

Submission:

Ambry Genetics
Classification: Uncertain significance for Inborn genetic diseases. Last evaluated: 2023-07-27. Review status: criteria provided, single submitter. Criteria: Ambry Variant Classification Scheme 2023. Collection method: clinical testing. Allele origin: germline.
Comment: The p.N246I variant (also known as c.737A>T), located in coding exon 7 of the LRRK2 gene, results from an A to T substitution at nucleotide position 737. The asparagine at codon 246 is replaced by isoleucine, an amino acid with dissimilar properties. This amino acid position is conserved. In addition, the in silico prediction for this alteration is inconclusive. Since supporting evidence is limited at this time, the clinical significance of this alteration remains unclear.